The following is an entry in ClinVar:

ClinVar aggregate classification (germline): Uncertain significance. Review status: criteria provided, multiple submitters, no conflicts (2 of 4 stars). 4 submissions from 4 submitters: Uncertain significance (4). Last evaluated 2026-06-11.

Conditions:
Pituitary adenoma 3, multiple types. Also called: PITUITARY ADENOMA 3, ACTH-SECRETING, SOMATIC; PITUITARY ADENOMA 3, GROWTH HORMONE-SECRETING, SOMATIC. Identifiers: MedGen C4540135, MONDO:0054665, OMIM 617686.
Pseudohypoparathyroidism type 1B (PHP1B). Also called: Pseudohypoparathyroidism Ib (PHP-Ib); PHP IB; Pseudohypoparathyroidism Type IB. Identifiers: Orphanet 94089, MedGen C1864100, MONDO:0011301, OMIM 603233.
Pseudopseudohypoparathyroidism (PPHP). Also called: ALBRIGHT HEREDITARY OSTEODYSTROPHY WITHOUT MULTIPLE HORMONE RESISTANCE; Pseudopseudohypoparathyroidism (PPHP). Identifiers: Orphanet 79445, MedGen C0033835, MONDO:0012912, OMIM 612463.
ACTH-independent macronodular adrenal hyperplasia 1 (AIMAH1). Also called: ACTH-independent macronodular adrenal hyperplasia, somatic; CUSHING SYNDROME, ADRENAL, DUE TO AIMAH; ADRENOCORTICOTROPIC HORMONE-INDEPENDENT MACRONODULAR ADRENAL HYPERPLASIA; CORTICOTROPIN-INDEPENDENT MACRONODULAR ADRENAL HYPERPLASIA; ACTH-INDEPENDENT MACRONODULAR ADRENOCORTICAL HYPERPLASIA. Identifiers: MedGen C1857451, MONDO:0020735, OMIM 219080.
Pseudohypoparathyroidism type I A (PHP1A). Also called: Pseudohypoparathyroidism Ia (PHP-Ia); Pseudohypoparathyroidism Type IA; PHP IA; Pseudohypoparathyroidism type 1A; ALBRIGHT HEREDITARY OSTEODYSTROPHY WITH MULTIPLE HORMONE RESISTANCE. Identifiers: Orphanet 79443, MedGen C3494506, MONDO:0007078, OMIM 103580.
McCune-Albright syndrome (MAS). Also called: Albright's Syndrome; Albright's disease; Fibrous Dysplasia / McCune-Albright Syndrome; ALBRIGHT SYNDROME; McCune-Albright syndrome, somatic, mosaic. Identifiers: Orphanet 562, MedGen C0242292, MONDO:0018919, OMIM 174800.
Pseudohypoparathyroidism type 1C (PHP1C). Also called: PHP IC; PSEUDOHYPOPARATHYROIDISM, TYPE IC; Pseudohypoparathyroidism Ic (PHP-Ic). Identifiers: Orphanet 79444, MedGen C2932716, MONDO:0012911, OMIM 612462.
Progressive osseous heteroplasia (POH). Also called: Progressive Osseus Heteroplasia (POH); Osseus Heteroplasia, Progressive; Osteoma cutis; ECTOPIC OSSIFICATION, FAMILIAL. Identifiers: Orphanet 2762, MedGen C0334041, MONDO:0008153, OMIM 166350, HP:0025027.
GNAS-related disorder. Identifiers: MedGen CN380105.

Allele frequency attached by ClinVar (database versions not stated): gnomAD 0.00001.
gnomAD v4.1: 12 of 1,550,382 alleles (0.00077%); highest among the groups gnomAD compares: Admixed American, 0.0019%; no homozygotes.

Submissions (4):

PreventionGenetics, part of Exact Sciences
Classification: Uncertain significance for GNAS-related condition. Last evaluated: 2026-06-11. Review status: criteria provided, single submitter. Criteria: ACMG Guidelines, 2015. Collection method: clinical testing. Allele origin: germline.
Comment: The GNAS c.1136C>T variant is predicted to result in the amino acid substitution p.Pro379Leu. This variant is also referred to as c.-37139C>T with the more commonly reported isoform NM_000516.4. To our knowledge, this variant has not been reported in the literature. This variant is reported in 0.0039% of alleles in individuals of Latino descent in gnomAD. At this time, the clinical significance of this variant is uncertain due to the absence of conclusive functional and genetic evidence.

Blueprint Genetics
Classification: Uncertain significance. Last evaluated: 2024-10-16. Review status: criteria provided, single submitter. Criteria: ACMG Guidelines, 2015. Collection method: clinical testing. Allele origin: germline.

Fulgent Genetics
Classification: Uncertain significance for Pseudohypoparathyroidism type I A; Progressive osseous heteroplasia; McCune-Albright syndrome; ACTH-independent macronodular adrenal hyperplasia 1; Pseudohypoparathyroidism type 1B; Pseudohypoparathyroidism type 1C; Pseudopseudohypoparathyroidism; Pituitary adenoma 3, multiple types. Last evaluated: 2022-02-19. Review status: criteria provided, single submitter. Criteria: ACMG Guidelines, 2015. Collection method: clinical testing. Allele origin: unknown.

Centre for Mendelian Genomics, University Medical Centre Ljubljana
Classification: Uncertain significance for Pseudohypoparathyroidism type 1B. Last evaluated: 2019-03-01. Review status: criteria provided, single submitter. Criteria: ACMG Guidelines, 2015. Collection method: clinical testing. Allele origin: unknown. Affected: yes.
Comment: This variant was classified as: Uncertain significance. The available evidence on this variant's pathogenicity is insufficient or conflicting. The following ACMG criteria were applied in classifying this variant: PP2,BP4.

NM_080425.4(GNAS):c.1323C>T (p.Pro441=)

Gene: GNAS (GNAS complex locus; plus strand). Cytogenetic location: 20q13.32.
Variant type: single nucleotide variant.
Coding change: c.1323C>T on transcript NM_080425.4 (MANE Plus Clinical); coding-DNA position 1323, C replaced by T.
Protein change: p.Pro441=; no amino-acid change (proline 441 retained).
Molecular consequence: synonymous variant. On other transcripts: missense variant (2), intron variant (3).
Genome position (GRCh38, 1-based): chr20:58,854,588, C>T. VCF-style: chr20-58854588-C-T. GRCh37 (hg19) VCF-style: chr20-57429643-C-T.
Other names: c.1136C>T, p.Pro379Leu (NM_001077490.3, NM_001309883.1); c.1323C>T, p.Pro441= (NM_001410913.1); c.*42+13702C>T (NM_016592.5); c.43+13702C>T (NM_001410912.1); c.-39+12713C>T (NM_001309861.2); short protein forms P379L.
Identifiers: ClinVar variation 930718 (VCV000930718.8), dbSNP rs146744182, ClinGen allele CA316342549.